The following is an entry in ClinVar:

ClinVar aggregate classification (germline): Likely pathogenic (1 of 4 stars; one submission).

Conditions:
Primary ciliary dyskinesia. Also called: Ciliary dyskinesia. Identifiers: Orphanet 244, MedGen C0008780, MONDO:0016575, HP:0012265.

gnomAD v4.1: 16 of 1,614,184 alleles (0.00099%); highest among the groups gnomAD compares: East Asian, 0.033%; no homozygotes.

Submission:

Department of Human Genetics, Hannover Medical School
Classification: Likely pathogenic for Primary Ciliary Dyskinesia. Last evaluated: 2026-04-01. Review status: criteria provided, single submitter. Criteria: ACMG Guidelines, 2015. Collection method: research. Allele origin: germline. Affected: no.
Comment: Classification performed by HerediClassify using the following criteria:['PM2_supporting: Variant occures does not occur as homozygous in gnomAD.', 'PVS1_protein_very_strong: Transcript ENST00000335894 is predicted to undergo NMD.']

NM_001031715.3(IQCH):c.2371C>T (p.Gln791Ter)

Genes: IQCH (IQ motif containing H; plus strand), IQCH-AS1 (IQCH antisense RNA 1; minus strand). Cytogenetic location: 15q23.
Variant type: single nucleotide variant.
Coding change: c.2371C>T on transcript NM_001031715.3 (MANE Select); coding-DNA position 2371, C replaced by T.
Protein change: p.Gln791Ter; replaces glutamine 791 with a stop codon.
Molecular consequence: nonsense. On other transcripts: non-coding transcript variant (3).
Genome position (GRCh38, 1-based): chr15:67,421,443, C>T. VCF-style: chr15-67421443-C-T. GRCh37 (hg19) VCF-style: chr15-67713781-C-T.
Other names: c.1342C>T, p.Gln448Ter (NM_001284347.2, NM_001322471.2); c.1354C>T, p.Gln452Ter (NM_001284348.2); c.1579C>T, p.Gln527Ter (NM_001322470.2, NM_001322473.2, NM_001322475.2); c.1150C>T, p.Gln384Ter (NM_001322472.2); c.1387C>T, p.Gln463Ter (NM_001322474.2); short protein forms Q384*, Q448*, Q452*, Q463*, Q527*, Q791*.
Identifiers: ClinVar variation 4880163 (VCV004880163.1).